The following is an entry in ClinVar:

NM_004991.4(MECOM):c.2268A>G (p.Pro756=)

Gene: MECOM (MDS1 and EVI1 complex locus; minus strand). Cytogenetic location: 3q26.2.
Variant type: single nucleotide variant.
Coding change: c.2268A>G on transcript NM_004991.4 (MANE Select); coding-DNA position 2268, A replaced by G.
Protein change: p.Pro756=; no amino-acid change (proline 756 retained).
Molecular consequence: synonymous variant.
Genome position (GRCh38, 1-based): chr3:169,115,604, T>C on the plus strand (A>G on the coding strand, the complement: MECOM is on the minus strand). VCF-style: chr3-169115604-T-C. GRCh37 (hg19) VCF-style: chr3-168833392-T-C.
Other names: c.2268A>G (NM_004991.3); c.1899A>G, p.Pro633= (NM_001105077.4); c.1704A>G, p.Pro568= (NM_001105078.4, NM_001164000.2, NM_001205194.2 and 4 more transcripts); c.1707A>G, p.Pro569= (NM_001163999.2, NM_001366467.2, NM_001366468.2 and 1 more transcripts); c.2268A>G, p.Pro756= (NM_001366466.2); c.1296A>G, p.Pro432= (NM_001366473.2); c.732A>G, p.Pro244= (NM_001366474.2).
Identifiers: ClinVar variation 2717117 (VCV002717117.13), dbSNP rs765295353, ClinGen allele CA2696215.
Genomic context (GRCh38, chr3:169,115,604, plus strand): 5'-ACTTAGATCCAGGGGCTGGTCTTGGCTTGTGGCAGGTGTCACTGGAGGCTTGGAGGGGAC[T>C]GGAGTCAAGGGCTTCTCATCCTTTCGCTTAGTGGTGAGATCAAAGGGGGACTCAGAGCTG-3'
Protein context (NP_004982.2, residues 746-766): TKRKDEKPLT[Pro756=]VPSKPPVTPA

ClinVar aggregate classification (germline): Benign/Likely benign. Review status: criteria provided, multiple submitters, no conflicts (2 of 4 stars). 5 submissions from 5 submitters: Benign (1); Likely benign (4). Last evaluated 2025-11-25.

Conditions:
Inborn genetic diseases. Identifiers: MedGen C0950123, MeSH D030342.

Allele frequency attached by ClinVar (database versions not stated): gnomAD exomes 0.00004; ExAC 0.00005; gnomAD 0.00005; TOPMed 0.00005.
gnomAD v4.1: 62 of 1,614,032 alleles (0.0038%); highest among the groups gnomAD compares: Non-Finnish European, 0.0053%; no homozygotes.

Submissions (5):

Labcorp Genetics (formerly Invitae), Labcorp
Classification: Likely benign. Last evaluated: 2025-11-25. Review status: criteria provided, single submitter. Criteria: Invitae Variant Classification Sherloc (09022015). Collection method: clinical testing. Allele origin: germline.

CeGaT Center for Human Genetics Tuebingen
Classification: Likely benign. Last evaluated: 2025-03-01. Review status: criteria provided, single submitter. Criteria: CeGaT Center For Human Genetics Tuebingen Variant Classification Criteria Version 2. Collection method: clinical testing. Allele origin: germline. Affected: yes. Observed: 1 variant allele.
Comment: MECOM: BP4, BP7

Laboratory of Genetics, Children's Clinical University Hospital Latvia
Classification: Benign. Last evaluated: 2025-02-16. Review status: criteria provided, single submitter. Criteria: ACMG Guidelines, 2015. Collection method: clinical testing. Allele origin: germline. Affected: yes.

Ambry Genetics
Classification: Likely benign for Inborn genetic diseases. Last evaluated: 2024-10-05. Review status: criteria provided, single submitter. Criteria: Ambry Variant Classification Scheme 2023. Collection method: clinical testing. Allele origin: germline.

Blueprint Genetics
Classification: Likely benign. Last evaluated: 2024-03-19. Review status: criteria provided, single submitter. Criteria: ACMG Guidelines, 2015. Collection method: clinical testing. Allele origin: germline.